The following is an entry in ClinVar:

ClinVar aggregate classification (germline): Uncertain significance (1 of 4 stars; one submission).

Conditions:
Inborn genetic diseases. Identifiers: MedGen C0950123, MeSH D030342.

Submission:

Ambry Genetics
Classification: Uncertain significance for Inborn genetic diseases. Last evaluated: 2026-08-10. Review status: criteria provided, single submitter. Criteria: Ambry Variant Classification Scheme 2023. Collection method: clinical testing. Allele origin: germline.
Comment: The p.T67A variant (also known as c.199A>G), located in coding exon 2 of the SERPING1 gene, results from an A to G substitution at nucleotide position 199. The threonine at codon 67 is replaced by alanine, an amino acid with similar properties. This amino acid position is conserved. In addition, this alteration is predicted to be tolerated by in silico analysis. Based on the available evidence, the clinical significance of this variant remains unclear.

NM_000062.3(SERPING1):c.199A>G (p.Thr67Ala)

Gene: SERPING1 (serpin family G member 1; plus strand). Cytogenetic location: 11q12.1.
Variant type: single nucleotide variant.
Coding change: c.199A>G on transcript NM_000062.3 (MANE Select); coding-DNA position 199, A replaced by G.
Protein change: p.Thr67Ala; replaces threonine 67 with alanine.
Molecular consequence: missense variant.
Genome position (GRCh38, 1-based): chr11:57,600,026, A>G. VCF-style: chr11-57600026-A-G. GRCh37 (hg19) VCF-style: chr11-57367499-A-G.
Other names: c.199A>G, p.Thr67Ala (NM_001032295.2); short protein forms T67A.
Identifiers: ClinVar variation 5029398 (VCV005029398.1).
Genomic context (GRCh38, chr11:57,600,026, plus strand): 5'-ACAACAGTTATCTCCAAGATGCTATTCGTTGAACCCATCCTGGAGGTTTCCAGCTTGCCG[A>G]CAACCAACTCAACAACCAATTCAGCCACCAAAATAACAGCTAATACCACTGATGAACCCA-3'
Protein context (NP_000053.2, residues 57-77): EPILEVSSLP[Thr67Ala]TNSTTNSATK